The following is an entry in ClinVar:

ClinVar aggregate classification (germline): Uncertain significance. Review status: criteria provided, multiple submitters, no conflicts (2 of 4 stars). 2 submissions from 2 submitters: Uncertain significance (2). Last evaluated 2025-05-06.

Conditions:
Cardiovascular phenotype. Identifiers: MedGen CN230736.
Hypertrophic cardiomyopathy 26. Also called: Cardiomyopathy, familial hypertrophic, 26. Identifiers: Orphanet 75249, MedGen C4310749, MONDO:0014883, OMIM 617047.
Myofibrillar myopathy 5. Also called: Filaminopathy (type); FILAMINOPATHY, AUTOSOMAL DOMINANT. Identifiers: Orphanet 171445, MedGen C1836050, MONDO:0012289, OMIM 609524.
Distal myopathy with posterior leg and anterior hand involvement. Also called: WILLIAMS DISTAL MYOPATHY. Identifiers: Orphanet 63273, MedGen C3279722, MONDO:0013550, OMIM 614065.

Allele frequency attached by ClinVar (database versions not stated): gnomAD exomes below 0.00001; TOPMed below 0.00001.

Submissions (2):

Ambry Genetics
Classification: Uncertain significance for Cardiovascular phenotype. Last evaluated: 2025-05-06. Review status: criteria provided, single submitter. Criteria: Ambry Variant Classification Scheme 2023. Collection method: clinical testing. Allele origin: germline.

Labcorp Genetics (formerly Invitae), Labcorp
Classification: Uncertain significance for Distal myopathy with posterior leg and anterior hand involvement; Myofibrillar myopathy 5; Hypertrophic cardiomyopathy 26. Last evaluated: 2021-11-13. Review status: criteria provided, single submitter. Criteria: Invitae Variant Classification Sherloc (09022015). Collection method: clinical testing. Allele origin: germline.
Comment: In summary, the available evidence is currently insufficient to determine the role of this variant in disease. Therefore, it has been classified as a Variant of Uncertain Significance. Algorithms developed to predict the effect of missense changes on protein structure and function are either unavailable or do not agree on the potential impact of this missense change (SIFT: "Deleterious"; PolyPhen-2: "Probably Damaging"; Align-GVGD: "Class C0"). This variant has not been reported in the literature in individuals affected with FLNC-related conditions. This variant is present in population databases (no rsID available, gnomAD 0.006%). This sequence change replaces glycine, which is neutral and non-polar, with glutamic acid, which is acidic and polar, at codon 2449 of the FLNC protein (p.Gly2449Glu).

NM_001458.5(FLNC):c.7346G>A (p.Gly2449Glu)

Genes: FLNC (filamin C; plus strand), FLNC-AS1 (FLNC antisense RNA 1; minus strand). Cytogenetic location: 7q32.1.
Variant type: single nucleotide variant.
Coding change: c.7346G>A on transcript NM_001458.5 (MANE Select); coding-DNA position 7346, G replaced by A.
Protein change: p.Gly2449Glu; replaces glycine 2449 with glutamic acid.
Molecular consequence: missense variant.
Genome position (GRCh38, 1-based): chr7:128,856,612, G>A. VCF-style: chr7-128856612-G-A. GRCh37 (hg19) VCF-style: chr7-128496666-G-A.
Other names: c.7247G>A, p.Gly2416Glu (NM_001127487.2); c.7346G>A (NM_001458.4); short protein forms G2449E, G2416E.
Identifiers: ClinVar variation 1503619 (VCV001503619.7), dbSNP rs1322256692, ClinGen allele CA369216892.